The following is an entry in ClinVar:

ClinVar aggregate classification (germline): Uncertain significance. Review status: criteria provided, multiple submitters, no conflicts (2 of 4 stars). 2 submissions from 2 submitters: Uncertain significance (2). Last evaluated 2022-04-13.

Conditions:
Hereditary cancer-predisposing syndrome. Also called: Tumor predisposition; Neoplastic Syndromes, Hereditary; Hereditary Cancer Syndrome; Hereditary neoplastic syndrome. Identifiers: Orphanet 140162, MedGen C0027672, MeSH D009386, MONDO:0015356.
Cardiovascular phenotype. Identifiers: MedGen CN230736.
Neurofibromatosis, type 1 (NF1). Also called: Neurofibromatosis, type I; NEUROFIBROMATOSIS, TYPE I, SOMATIC; Peripheral type neurofibromatosis; VON RECKLINGHAUSEN DISEASE. Identifiers: Orphanet 636, MedGen C0027831, MONDO:0018975, OMIM 162200. Disease mechanism: loss of function.

Submissions (2):

Ambry Genetics
Classification: Uncertain significance for Cardiovascular phenotype; Hereditary cancer-predisposing syndrome. Last evaluated: 2022-04-13. Review status: criteria provided, single submitter. Criteria: Ambry Variant Classification Scheme 2023. Collection method: clinical testing. Allele origin: germline.
Comment: The p.L1173F variant (also known as c.3517C>T), located in coding exon 27 of the NF1 gene, results from a C to T substitution at nucleotide position 3517. The leucine at codon 1173 is replaced by phenylalanine, an amino acid with highly similar properties. This amino acid position is highly conserved in available vertebrate species. In addition, the in silico prediction for this alteration is inconclusive. Since supporting evidence is limited at this time, the clinical significance of this alteration remains unclear.

Labcorp Genetics (formerly Invitae), Labcorp
Classification: Uncertain significance for Neurofibromatosis, type 1. Last evaluated: 2016-08-20. Review status: criteria provided, single submitter. Criteria: Invitae Variant Classification Sherloc (09022015). Collection method: clinical testing. Allele origin: germline.
Comment: In summary, this variant is a novel missense change with uncertain impact on protein function. It has been classified as a Variant of Uncertain Significance. Algorithms developed to predict the effect of missense changes on protein structure and function do not agree on the potential impact of this missense change (SIFT: "Tolerated"; PolyPhen-2: "Probably Damaging"; Align-GVGD: "Class C0"). This variant is not present in population databases (ExAC no frequency) and has not been reported in the literature in individuals with a NF1-related disease. This sequence change replaces leucine with phenylalanine at codon 1173 of the NF1 protein (p.Leu1173Phe). The leucine residue is moderately conserved and there is a small physicochemical difference between leucine and phenylalanine.

NM_001042492.3(NF1):c.3517C>T (p.Leu1173Phe)

Gene: NF1 (neurofibromin 1; plus strand). Cytogenetic location: 17q11.2.
Variant type: single nucleotide variant.
Coding change: c.3517C>T on transcript NM_001042492.3 (MANE Select); coding-DNA position 3517, C replaced by T.
Protein change: p.Leu1173Phe; replaces leucine 1173 with phenylalanine.
Molecular consequence: missense variant.
Genome position (GRCh38, 1-based): chr17:31,233,022, C>T. VCF-style: chr17-31233022-C-T. GRCh37 (hg19) VCF-style: chr17-29560040-C-T.
Other names: c.3517C>T, p.Leu1173Phe (NM_000267.4); short protein forms L1173F.
Identifiers: ClinVar variation 404598 (VCV000404598.7), dbSNP rs1060500375, ClinGen allele CA16615216.